The following is an entry in ClinVar:

ClinVar aggregate classification (germline): Uncertain significance (1 of 4 stars; one submission).

Conditions:
Episodic kinesigenic dyskinesia (EKD). Also called: Paroxysmal kinesigenic dyskinesia. Identifiers: Orphanet 98809, MedGen C1868682, MONDO:0044202.

Allele frequency attached by ClinVar (database versions not stated): ESP Exome Variant Server 0.00008.

Submission:

Labcorp Genetics (formerly Invitae), Labcorp
Classification: Uncertain significance for Episodic kinesigenic dyskinesia. Last evaluated: 2023-04-25. Review status: criteria provided, single submitter. Criteria: Invitae Variant Classification Sherloc (09022015). Collection method: clinical testing. Allele origin: germline.
Comment: This sequence change replaces threonine, which is neutral and polar, with isoleucine, which is neutral and non-polar, at codon 167 of the PRRT2 protein (p.Thr167Ile). This variant is not present in population databases (gnomAD no frequency). This missense change has been observed in individuals with clinical features of PRRT2-related disorders (PMID: 31801583; Invitae). Advanced modeling of protein sequence and biophysical properties (such as structural, functional, and spatial information, amino acid conservation, physicochemical variation, residue mobility, and thermodynamic stability) performed at Invitae indicates that this missense variant is not expected to disrupt PRRT2 protein function. In summary, the available evidence is currently insufficient to determine the role of this variant in disease. Therefore, it has been classified as a Variant of Uncertain Significance.

Literature cited by the submitters: PubMed 31801583.

NM_145239.3(PRRT2):c.500C>T (p.Thr167Ile)

Genes: MVP-DT (MVP divergent transcript; minus strand), PRRT2 (proline rich transmembrane protein 2; plus strand). Cytogenetic location: 16p11.2.
Variant type: single nucleotide variant.
Coding change: c.500C>T on transcript NM_145239.3 (MANE Select); coding-DNA position 500, C replaced by T.
Protein change: p.Thr167Ile; replaces threonine 167 with isoleucine.
Molecular consequence: missense variant.
Genome position (GRCh38, 1-based): chr16:29,813,554, C>T. VCF-style: chr16-29813554-C-T. GRCh37 (hg19) VCF-style: chr16-29824875-C-T.
Other names: c.500C>T, p.Thr167Ile (NM_001256442.2, NM_001256443.2); short protein forms T167I.
Identifiers: ClinVar variation 2717027 (VCV002717027.3), dbSNP rs375818497, ClinGen allele CA280409684.
Genomic context (GRCh38, chr16:29,813,554, plus strand): 5'-ATTCCCAGCCTACCCCCAAGCCAGCCCTTCAACCAGAGCTCCCTACCCAGGAGGACCCCA[C>T]CCCTGAGATTCTGTCTGAGAGTGTAGGGGAAAAGCAAGAGAATGGGGCAGTGGTGCCCCT-3'
Protein context (NP_660282.2, residues 157-177): QPELPTQEDP[Thr167Ile]PEILSESVGE